The following is an entry in ClinVar:

NM_000138.5(FBN1):c.3083-1G>C

Gene: FBN1 (fibrillin 1; minus strand). Cytogenetic location: 15q21.1.
Variant type: single nucleotide variant.
Coding change: c.3083-1G>C on transcript NM_000138.5 (MANE Select); the canonical splice acceptor site of the intron before coding-DNA position 3083, G replaced by C.
Molecular consequence: splice acceptor variant.
Genome position (GRCh38, 1-based): chr15:48,488,494, C>G on the plus strand (G>C on the coding strand, the complement: FBN1 is on the minus strand). VCF-style: chr15-48488494-C-G. GRCh37 (hg19) VCF-style: chr15-48780691-C-G.
Other names: c.3083-1G>C (NM_001406716.1, LRG_778t1).
Identifiers: ClinVar variation 1325490 (VCV001325490.3), dbSNP rs2141295345, ClinGen allele CA392328335.

ClinVar aggregate classification (germline): Likely pathogenic. Review status: criteria provided, multiple submitters, no conflicts (2 of 4 stars). 2 submissions from 2 submitters: Likely pathogenic (2). Last evaluated 2025-12-08.

Conditions:
Marfan syndrome (MFS). Also called: Marfan syndrome type 1; Marfan's syndrome; FBN1-Related Marfan Syndrome; MARFAN SYNDROME, TYPE I; Marfan syndrome, classic. Identifiers: Orphanet 284963, Orphanet 558, MedGen C0024796, MONDO:0007947, OMIM 154700.
Thoracic aortic aneurysm or dissection.

Submissions (2):

NHS Central & South Genomic Laboratory Hub
Classification: Likely pathogenic for Thoracic aortic aneurysm or dissection. Last evaluated: 2025-12-08. Review status: criteria provided, single submitter. Criteria: ACMG Guidelines, 2015. Collection method: clinical testing. Allele origin: germline. Affected: yes.

Centre of Medical Genetics, University of Antwerp
Classification: Likely pathogenic for Marfan syndrome. Last evaluated: 2021-03-01. Review status: criteria provided, single submitter. Criteria: Submitter's publication. Collection method: research. Allele origin: unknown. Affected: yes.
Comment: PM2, PS7, PP4